The following is an entry in ClinVar:

ClinVar aggregate classification (germline): Pathogenic/Likely pathogenic. Review status: criteria provided, multiple submitters, no conflicts (2 of 4 stars). 2 submissions from 2 submitters: Pathogenic (1); Likely pathogenic (1). Last evaluated 2024-07-11.

Conditions:
Fanconi anemia complementation group D2. Also called: FANCD2-Related Fanconi Anemia; FANCONI PANCYTOPENIA, TYPE 4; FANCONI ANEMIA, COMPLEMENTATION GROUP D. Identifiers: Orphanet 84, MedGen C3160738, MONDO:0009214, OMIM 227646.
Fanconi anemia (FA). Also called: Fanconi's anemia. Identifiers: Orphanet 84, MedGen C0015625, MeSH D005199, MONDO:0019391.

gnomAD v4.1: 3 of 1,611,934 alleles (0.00019%); highest among the groups gnomAD compares: South Asian, 0.0011%; no homozygotes.

Submissions (2):

Labcorp Genetics (formerly Invitae), Labcorp
Classification: Pathogenic for Fanconi anemia. Last evaluated: 2024-07-11. Review status: criteria provided, single submitter. Criteria: Invitae Variant Classification Sherloc (09022015). Collection method: clinical testing. Allele origin: germline.
Comment: This sequence change creates a premature translational stop signal (p.Gln1080*) in the FANCD2 gene. It is expected to result in an absent or disrupted protein product. Loss-of-function variants in FANCD2 are known to be pathogenic (PMID: 17436244). This variant is not present in population databases (gnomAD no frequency). This variant has not been reported in the literature in individuals affected with FANCD2-related conditions. Algorithms developed to predict the effect of sequence changes on RNA splicing suggest that this variant may disrupt the consensus splice site. For these reasons, this variant has been classified as Pathogenic.

Baylor Genetics
Classification: Likely pathogenic for Fanconi anemia complementation group D2. Last evaluated: 2024-02-24. Review status: criteria provided, single submitter. Criteria: ACMG Guidelines, 2015. Collection method: clinical testing. Allele origin: unknown.

Literature cited by the submitters: PubMed 17436244 (cited by Labcorp Genetics (formerly Invitae), Labcorp).

NM_001018115.3(FANCD2):c.3238C>T (p.Gln1080Ter)

Genes: FANCD2 (FA complementation group D2; plus strand), FANCD2OS (FANCD2 opposite strand; minus strand). Cytogenetic location: 3p25.3.
Variant type: single nucleotide variant.
Coding change: c.3238C>T on transcript NM_001018115.3 (MANE Select); coding-DNA position 3238, C replaced by T.
Protein change: p.Gln1080Ter; replaces glutamine 1080 with a stop codon.
Molecular consequence: nonsense. On other transcripts: intron variant (1).
Genome position (GRCh38, 1-based): chr3:10,085,825, C>T. VCF-style: chr3-10085825-C-T. GRCh37 (hg19) VCF-style: chr3-10127509-C-T.
Other names: c.3127C>T, p.Gln1043Ter (NM_001374253.1); c.3238C>T, p.Gln1080Ter (NM_001374254.1, NM_033084.6, NM_001319984.2); c.*44-4294G>A (NM_173472.2); short protein forms Q1043*, Q1080*.
Identifiers: ClinVar variation 3241566 (VCV003241566.3), dbSNP rs1411877055.